The following is an entry in ClinVar:

ClinVar aggregate classification (germline): Benign. Review status: criteria provided, multiple submitters, no conflicts (2 of 4 stars). 2 submissions from 2 submitters: Benign (2). Last evaluated 2024-11-26.

Allele frequency attached by ClinVar (database versions not stated): ExAC 0.07619; gnomAD 0.22725; TOPMed 0.25712; 1000 Genomes Project 0.33446; 1000 Genomes Project 30x 0.35540.
gnomAD v4.1: 142,563 of 1,584,766 alleles (9%); highest among the groups gnomAD compares: African/African-American, 60%; 21,727 homozygotes.

Submissions (2):

Blueprint Genetics
Classification: Benign. Last evaluated: 2024-11-26. Review status: criteria provided, single submitter. Criteria: ACMG Guidelines, 2015. Collection method: clinical testing. Allele origin: germline.

Unidad de Genómica Garrahan, Hospital de Pediatría Garrahan
Classification: Benign. Last evaluated: 2024-01-24. Review status: criteria provided, single submitter. Criteria: ACMG Guidelines, 2015. Collection method: clinical testing. Allele origin: germline. Affected: no. Observed: 30 variant alleles.
Comment: This variant is classified as Benign based on local population frequency. This variant was detected in 32% of patients studied by a panel of primary immunodeficiencies. Number of patients: 30. Only high quality variants are reported.

NM_001170535.3(ATAD3A):c.906+6A>G

Gene: ATAD3A (ATPase family AAA domain containing 3A; plus strand). Cytogenetic location: 1p36.33.
Variant type: single nucleotide variant.
Coding change: c.906+6A>G on transcript NM_001170535.3 (MANE Select); 6 bases into the intron after coding-DNA position 906, A replaced by G.
Molecular consequence: intron variant.
Genome position (GRCh38, 1-based): chr1:1,522,905, A>G. VCF-style: chr1-1522905-A-G. GRCh37 (hg19) VCF-style: chr1-1458285-A-G.
Other names: c.669+6A>G (NM_001170536.3); c.1050+6A>G (NM_018188.5).
Identifiers: ClinVar variation 2688232 (VCV002688232.3), dbSNP rs6675874, ClinGen allele CA526036.
Genomic context (GRCh38, chr1:1,522,905, plus strand): 5'-AGTGAGGGAGACGTCCCGCATCACGGTGCTTGAGGCGCTGCGGCACCCCATCCAGGTAGC[A>G]GCGCAGGCCTGGCCCTCCCTGAGTGCAGTTCCTGGCTGAGTCCCTTCTGCCCCACGAGCA-3'